The following is an entry in ClinVar:

ClinVar aggregate classification (germline): Pathogenic (1 of 4 stars; one submission).

Submission:

Labcorp Genetics (formerly Invitae), Labcorp
Classification: Pathogenic. Last evaluated: 2019-04-29. Review status: criteria provided, single submitter. Criteria: Invitae Variant Classification Sherloc (09022015). Collection method: clinical testing. Allele origin: germline.
Comment: This variant is an out-of-frame deletion of the genomic region encompassing exon 22 of the USH2A gene. This is expected to create a premature translational stop signal and result in an absent or disrupted protein product. A similar deletion of exon 22 has been reported in an individual affected with Usher syndrome type 2 (PMID: 25558175). Loss-of-function variants in USH2A are known to be pathogenic (PMID: 10729113, 10909849, 20507924, 25649381). For these reasons, this variant has been classified as Pathogenic.

Literature cited by the submitters: PubMed 25558175.

NC_000001.11:g.(?_216097073)_(216097223_?)del

Gene: USH2A (usherin; minus strand). Cytogenetic location: 1q41.
Variant type: Deletion.
Identifiers: ClinVar variation 832380 (VCV000832380.1).